The following is an entry in ClinVar:

NM_004380.3(CREBBP):c.6970C>T (p.Gln2324Ter)

Gene: CREBBP (CREB binding protein; minus strand). Cytogenetic location: 16p13.3.
Variant type: single nucleotide variant.
Coding change: c.6970C>T on transcript NM_004380.3 (MANE Select); coding-DNA position 6970, C replaced by T.
Protein change: p.Gln2324Ter; replaces glutamine 2324 with a stop codon.
Molecular consequence: nonsense.
Genome position (GRCh38, 1-based): chr16:3,728,077, G>A on the plus strand (C>T on the coding strand, the complement: CREBBP is on the minus strand). VCF-style: chr16-3728077-G-A. GRCh37 (hg19) VCF-style: chr16-3778078-G-A.
Other names: c.6856C>T, p.Gln2286Ter (NM_001079846.1); short protein forms Q2286*, Q2324*.
Identifiers: ClinVar variation 1309062 (VCV001309062.3), dbSNP rs2151300113, ClinGen allele CA394551007.

ClinVar aggregate classification (germline): Uncertain significance (1 of 4 stars; one submission).

Submission:

GeneDx
Classification: Uncertain significance. Last evaluated: 2024-07-22. Review status: criteria provided, single submitter. Criteria: GeneDx Variant Classification Process June 2021. Collection method: clinical testing. Allele origin: germline. Affected: yes.
Comment: Nonsense variant predicted to result in protein truncation as the last 119 amino acids are lost, although loss-of-function variants have not been reported downstream of this position in the protein; Not observed at significant frequency in large population cohorts (gnomAD); Has not been previously published as pathogenic or benign to our knowledge